The following is an entry in ClinVar:

ClinVar aggregate classification (germline): Uncertain significance (1 of 4 stars; one submission).

Allele frequency attached by ClinVar (database versions not stated): gnomAD exomes 0.00001 and 0.00002.
gnomAD v4.1: 9 of 1,209,553 alleles (0.00074%); highest among the groups gnomAD compares: Non-Finnish European, 0.0009%; no homozygotes.

Submission:

GeneDx
Classification: Uncertain significance. Last evaluated: 2021-02-24. Review status: criteria provided, single submitter. Criteria: GeneDx Variant Classification Process June 2021. Collection method: clinical testing. Allele origin: germline. Affected: yes.
Comment: In silico analysis supports that this missense variant does not alter protein structure/function; Has not been previously published as pathogenic or benign to our knowledge

NM_015884.4(MBTPS2):c.1099G>A (p.Ala367Thr)

Gene: MBTPS2 (membrane bound transcription factor peptidase, site 2; plus strand). Cytogenetic location: Xp22.12.
Variant type: single nucleotide variant.
Coding change: c.1099G>A on transcript NM_015884.4 (MANE Select); coding-DNA position 1099, G replaced by A.
Protein change: p.Ala367Thr; replaces alanine 367 with threonine.
Molecular consequence: missense variant.
Genome position (GRCh38, 1-based): chrX:21,878,530, G>A. VCF-style: chrX-21878530-G-A. GRCh37 (hg19) VCF-style: chrX-21896648-G-A.
Other names: short protein forms A367T.
Identifiers: ClinVar variation 432934 (VCV000432934.3), dbSNP rs1469829254, ClinGen allele CA412569494.
Genomic context (GRCh38, chrX:21,878,530, plus strand): 5'-ATTGACTGATTAATATTTTATTTATAGCATACATGTCTTCCTGCCCGGAAAGCAGTTGAA[G>A]CAACTCAAGTTTGCAGAACCAATAAAGACTGTAAAAAAAGCTCAAGTTCAAGTTTCTGTA-3'
Protein context (NP_056968.1, residues 357-377): TCLPARKAVE[Ala367Thr]TQVCRTNKDC